The following is an entry in ClinVar:

NM_002890.3(RASA1):c.899+1G>A

Genes: CCNH (cyclin H; minus strand), RASA1 (RAS p21 protein activator 1; plus strand). Cytogenetic location: 5q14.3.
Variant type: single nucleotide variant.
Coding change: c.899+1G>A on transcript NM_002890.3 (MANE Select); the canonical splice donor site of the intron after coding-DNA position 899, G replaced by A.
Molecular consequence: splice donor variant. On other transcripts: intron variant (1).
Genome position (GRCh38, 1-based): chr5:87,333,338, G>A. VCF-style: chr5-87333338-G-A. GRCh37 (hg19) VCF-style: chr5-86629155-G-A.
Other names: c.368+1G>A (NM_022650.3); c.934-20543C>T (NM_001364075.2).
Identifiers: ClinVar variation 3632922 (VCV003632922.2).
Genomic context (GRCh38, chr5:87,333,338, plus strand): 5'-TAGAAGGCGTGTACGAGCTATTCTACCTTACACAAAAGTACCAGACACTGATGAAATAAG[G>A]TATTTTATAATCTATTCTCATGTATAGGCATTTGAAAGAGCTAGACTTCGAAGATTTATT-3'

ClinVar aggregate classification (germline): Likely pathogenic (1 of 4 stars; one submission).

Conditions:
Capillary malformation-arteriovenous malformation syndrome. Also called: Capillary malformation-arteriovenous malformation. Identifiers: Orphanet 137667, MedGen C1842180, MONDO:0012016.

Submission:

Labcorp Genetics (formerly Invitae), Labcorp
Classification: Likely pathogenic for Capillary malformation-arteriovenous malformation syndrome. Last evaluated: 2024-01-19. Review status: criteria provided, single submitter. Criteria: Invitae Variant Classification Sherloc (09022015). Collection method: clinical testing. Allele origin: germline.
Comment: This sequence change affects a donor splice site in intron 4 of the RASA1 gene. It is expected to disrupt RNA splicing. Variants that disrupt the donor or acceptor splice site typically lead to a loss of protein function (PMID: 16199547), and loss-of-function variants in RASA1 are known to be pathogenic (PMID: 24038909). This variant is not present in population databases (gnomAD no frequency). Disruption of this splice site has been observed in individual(s) with clinical features of RASA1-related conditions (PMID: 24038909). Algorithms developed to predict the effect of sequence changes on RNA splicing suggest that this variant may disrupt the consensus splice site. In summary, the currently available evidence indicates that the variant is pathogenic, but additional data are needed to prove that conclusively. Therefore, this variant has been classified as Likely Pathogenic.

Literature cited by the submitters: PubMed 16199547; PubMed 24038909.